The following is an entry in ClinVar:

NM_007254.4(PNKP):c.1320C>T (p.Ala440=)

Gene: PNKP (polynucleotide kinase 3'-phosphatase; minus strand). Cytogenetic location: 19q13.33.
Variant type: single nucleotide variant.
Coding change: c.1320C>T on transcript NM_007254.4 (MANE Select); coding-DNA position 1320, C replaced by T.
Protein change: p.Ala440=; no amino-acid change (alanine 440 retained).
Molecular consequence: synonymous variant.
Genome position (GRCh38, 1-based): chr19:49,861,674, G>A on the plus strand (C>T on the coding strand, the complement: PNKP is on the minus strand). VCF-style: chr19-49861674-G-A. GRCh37 (hg19) VCF-style: chr19-50364931-G-A.
Identifiers: ClinVar variation 329893 (VCV000329893.36), dbSNP rs565533397, ClinGen allele CA9586455.

ClinVar aggregate classification (germline): Conflicting classifications of pathogenicity. Review status: criteria provided, conflicting classifications (1 of 4 stars). 4 submissions from 4 submitters: Uncertain significance (1); Likely benign (3). Last evaluated 2025-10-01.

Conditions:
Microcephaly, seizures, and developmental delay. Identifiers: Orphanet 1934, MedGen C3150667, MONDO:0013254, OMIM 613402.
Developmental and epileptic encephalopathy, 12 (DEE12). Identifiers: MedGen C3150988, MONDO:0013389, OMIM 613722.

Allele frequency attached by ClinVar (database versions not stated): TOPMed 0.00007; 1000 Genomes Project 30x 0.00016; 1000 Genomes Project 0.00020; ExAC 0.00027.
gnomAD v4.1: 34 of 1,547,764 alleles (0.0022%); highest among the groups gnomAD compares: East Asian, 0.056%; no homozygotes.

Submissions (4):

CeGaT Center for Human Genetics Tuebingen
Classification: Likely benign. Last evaluated: 2025-10-01. Review status: criteria provided, single submitter. Criteria: CeGaT Center For Human Genetics Tuebingen Variant Classification Criteria Version 2. Collection method: clinical testing. Allele origin: germline. Affected: yes. Observed: 2 variant alleles.
Comment: PNKP: BP4, BP7

Labcorp Genetics (formerly Invitae), Labcorp
Classification: Likely benign for Developmental and epileptic encephalopathy, 12. Last evaluated: 2024-08-08. Review status: criteria provided, single submitter. Criteria: Invitae Variant Classification Sherloc (09022015). Collection method: clinical testing. Allele origin: germline.

GeneDx
Classification: Likely benign. Last evaluated: 2019-05-24. Review status: criteria provided, single submitter. Criteria: GeneDx Variant Classification Process June 2021. Collection method: clinical testing. Allele origin: germline. Affected: yes.

Illumina Laboratory Services, Illumina
Classification: Uncertain significance for Microcephaly, seizures, and developmental delay. Last evaluated: 2018-01-12. Review status: criteria provided, single submitter. Criteria: ICSL Variant Classification Criteria 13 December 2019. Collection method: clinical testing. Allele origin: germline.